The following is an entry in ClinVar:

NM_001625.4(AK2):c.638C>A (p.Ser213Tyr)

Gene: AK2 (adenylate kinase 2; minus strand). Cytogenetic location: 1p35.1.
Variant type: single nucleotide variant.
Coding change: c.638C>A on transcript NM_001625.4 (MANE Select); coding-DNA position 638, C replaced by A.
Protein change: p.Ser213Tyr; replaces serine 213 with tyrosine.
Molecular consequence: missense variant. On other transcripts: 3 prime UTR variant (1), non-coding transcript variant (1).
Genome position (GRCh38, 1-based): chr1:33,013,263, G>T on the plus strand (C>A on the coding strand, the complement: AK2 is on the minus strand). VCF-style: chr1-33013263-G-T. GRCh37 (hg19) VCF-style: chr1-33478864-G-T.
Other names: c.614C>A, p.Ser205Tyr (NM_001199199.3); c.494C>A, p.Ser165Tyr (NM_001319139.3, NM_001319140.2); c.638C>A, p.Ser213Tyr (NM_001319141.3, NM_013411.5); c.512C>A, p.Ser171Tyr (NM_001319142.3); c.*141C>A (NM_001319143.2); short protein forms S213Y, S165Y, S171Y, S205Y.
Identifiers: ClinVar variation 644601 (VCV000644601.8), dbSNP rs139238739, ClinGen allele CA747045.

ClinVar aggregate classification (germline): Uncertain significance (1 of 4 stars; one submission).

Conditions:
Reticular dysgenesis. Also called: ALEUKOCYTOSIS; CONGENITAL ALEUKIA; HEMATOPOIETIC HYPOPLASIA, GENERALIZED; RETICULAR DYSGENESIA; SEVERE COMBINED IMMUNODEFICIENCY WITH LEUKOPENIA; DeVaal disease. Identifiers: Orphanet 33355, MedGen C0272167, MONDO:0009973, OMIM 267500.

Allele frequency attached by ClinVar (database versions not stated): ExAC 0.00002; gnomAD 0.00002; gnomAD exomes 0.00002; ESP Exome Variant Server 0.00008.
gnomAD v4.1: 68 of 1,613,732 alleles (0.0042%); highest among the groups gnomAD compares: Non-Finnish European, 0.0056%; no homozygotes.

Submission:

Labcorp Genetics (formerly Invitae), Labcorp
Classification: Uncertain significance for Reticular dysgenesis. Last evaluated: 2021-05-20. Review status: criteria provided, single submitter. Criteria: Invitae Variant Classification Sherloc (09022015). Collection method: clinical testing. Allele origin: germline.
Comment: In summary, the available evidence is currently insufficient to determine the role of this variant in disease. Therefore, it has been classified as a Variant of Uncertain Significance. Algorithms developed to predict the effect of missense changes on protein structure and function are either unavailable or do not agree on the potential impact of this missense change (SIFT: "Deleterious"; PolyPhen-2: "Benign"; Align-GVGD: "Class C0"). This variant has not been reported in the literature in individuals with AK2-related disease. This variant is present in population databases (rs139238739, ExAC 0.003%). This sequence change replaces serine with tyrosine at codon 213 of the AK2 protein (p.Ser213Tyr). The serine residue is moderately conserved and there is a large physicochemical difference between serine and tyrosine.